The following is an entry in ClinVar:

ClinVar aggregate classification (germline): Uncertain significance (1 of 4 stars; one submission).

Conditions:
Inborn genetic diseases. Identifiers: MedGen C0950123, MeSH D030342.

Submission:

Ambry Genetics
Classification: Uncertain significance for Inborn genetic diseases. Last evaluated: 2024-12-03. Review status: criteria provided, single submitter. Criteria: Ambry Variant Classification Scheme 2023. Collection method: clinical testing. Allele origin: germline.
Comment: The p.S526A variant (also known as c.1576T>G), located in coding exon 1 of the SAMD9 gene, results from a T to G substitution at nucleotide position 1576. The serine at codon 526 is replaced by alanine, an amino acid with similar properties. This amino acid position is conserved. In addition, this alteration is predicted to be tolerated by in silico analysis. Based on the available evidence, the clinical significance of this variant remains unclear.

NM_017654.4(SAMD9):c.1576T>G (p.Ser526Ala)

Gene: SAMD9 (sterile alpha motif domain containing 9; minus strand). Cytogenetic location: 7q21.2.
Variant type: single nucleotide variant.
Coding change: c.1576T>G on transcript NM_017654.4 (MANE Select); coding-DNA position 1576, T replaced by G.
Protein change: p.Ser526Ala; replaces serine 526 with alanine.
Molecular consequence: missense variant.
Genome position (GRCh38, 1-based): chr7:93,104,522, A>C on the plus strand (T>G on the coding strand, the complement: SAMD9 is on the minus strand). VCF-style: chr7-93104522-A-C. GRCh37 (hg19) VCF-style: chr7-92733835-A-C.
Other names: c.1576T>G, p.Ser526Ala (NM_001193307.2); short protein forms S526A.
Identifiers: ClinVar variation 3437073 (VCV003437073.1).